The following is an entry in ClinVar:

ClinVar aggregate classification (germline): Uncertain significance (1 of 4 stars; one submission).

Submission:

Labcorp Genetics (formerly Invitae), Labcorp
Classification: Uncertain significance. Last evaluated: 2025-06-12. Review status: criteria provided, single submitter. Criteria: Invitae Variant Classification Sherloc (09022015). Collection method: clinical testing. Allele origin: germline.
Comment: This sequence change replaces glycine, which is neutral and non-polar, with aspartic acid, which is acidic and polar, at codon 407 of the PUS1 protein (p.Gly407Asp). This variant is not present in population databases (gnomAD no frequency). This variant has not been reported in the literature in individuals affected with PUS1-related conditions. ClinVar contains an entry for this variant (Variation ID: 2073553). An algorithm developed to predict the effect of missense changes on protein structure and function (PolyPhen-2) suggests that this variant is likely to be tolerated. In summary, the available evidence is currently insufficient to determine the role of this variant in disease. Therefore, it has been classified as a Variant of Uncertain Significance.

NM_025215.6(PUS1):c.1220G>A (p.Gly407Asp)

Gene: PUS1 (pseudouridine synthase 1; plus strand). Cytogenetic location: 12q24.33.
Variant type: single nucleotide variant.
Coding change: c.1220G>A on transcript NM_025215.6 (MANE Select); coding-DNA position 1220, G replaced by A.
Protein change: p.Gly407Asp; replaces glycine 407 with aspartic acid.
Molecular consequence: missense variant.
Genome position (GRCh38, 1-based): chr12:131,941,967, G>A. VCF-style: chr12-131941967-G-A. GRCh37 (hg19) VCF-style: chr12-132426512-G-A.
Other names: c.1136G>A, p.Gly379Asp (NM_001002019.3, NM_001002020.3); short protein forms G379D, G407D.
Identifiers: ClinVar variation 2073553 (VCV002073553.4), dbSNP rs1891097407, ClinGen allele CA387300095.